The following is an entry in ClinVar:

NM_005359.6(SMAD4):c.1338_1339del (p.Gln446fs)

Gene: SMAD4 (SMAD family member 4; plus strand). Cytogenetic location: 18q21.2.
Variant type: Deletion.
Coding change: c.1338_1339del on transcript NM_005359.6 (MANE Select); coding-DNA positions 1338 to 1339, 2 bases deleted (GA; older notation c.1338_1339delGA).
Protein change: p.Gln446fs; shifts the reading frame from glutamine 446.
Molecular consequence: frameshift variant.
Genome position (GRCh38, 1-based): chr18:51,076,667-51,076,668, GA deleted; deleting any 2 consecutive bases within chr18:51,076,666-51,076,668 gives the same sequence; the c. name uses the placement nearest the transcript's 3' end. VCF-style (leftmost placement, unchanged base first): chr18-51076665-CAG-C. GRCh37 (hg19) VCF-style: chr18-48603035-CAG-C.
Other names: c.1338_1339delGA (NM_005359.5); short protein forms Q446fs.
Identifiers: ClinVar variation 182874 (VCV000182874.2), dbSNP rs730881957, ClinGen allele CA299974.
Genomic context (GRCh38, chr18:51,076,665, plus strand): 5'-GAACTCATAGTATGAAATGTTTTTTCTTAAAAGGTCTTTGATTTGCGTCAGTGTCATCGA[CAG>C]ATGCAGCAGCAGGCGGCTACTGCACAAGCTGCAGCAGCTGCCCAGGCAGCAGCCGTGGCA-3'

ClinVar aggregate classification (germline): Pathogenic (1 of 4 stars; one submission).

Submission:

GeneDx
Classification: Pathogenic. Last evaluated: 2014-10-02. Review status: criteria provided, single submitter. Criteria: GeneDx Variant Classification (06012015). Collection method: clinical testing. Allele origin: germline. Affected: yes.
Comment: This deletion of 2 nucleotides in SMAD4 is denoted c.1338_1339delGA at the cDNA level and p.Gln446HisfsX47 (Q446HfsX47) at the protein level. The normal sequence, with the bases that are deleted in brackets, is GACA[GA]TGCA. The deletion causes a frameshift, which changes a Glutamine to a Histidine at codon 446 in the last exon of the protien, exon 11, and creates a premature stop codon at position 47 of the new reading frame. The last 106 amino acids of the protein are replaced by 46 incorrect amino acids. The lost reagion is highly conserved in vertebrates and results in the loss of the MH2 domain, the region responsible for transactivation and mediation of phosphorylation-triggered heteromeric assembly between Smad4 and R-Smad (UniProt). Thimutationt was not observed in approximately 6,500 individuals of European and African American ancestry in the NHLBI Exome Sequencing Project. Although this variant has not, to our knowledge, been reported in the literature, it is predicted to cause loss of normal protein function through protein truncation. we consider this variant to be pathogenic.